The following is an entry in ClinVar:

ClinVar aggregate classification (germline): Likely benign. Review status: criteria provided, multiple submitters, no conflicts (2 of 4 stars). 3 submissions from 3 submitters: Likely benign (3). Last evaluated 2025-08-07.

Conditions:
Inborn genetic diseases. Identifiers: MedGen C0950123, MeSH D030342.
MAGEL2-related disorder. Also called: MAGEL2-related condition.

Allele frequency attached by ClinVar (database versions not stated): gnomAD exomes 0.00003; gnomAD 0.00005; TOPMed 0.00007.

Submissions (3):

PreventionGenetics, part of Exact Sciences
Classification: Likely benign for MAGEL2-related condition. Last evaluated: 2025-08-07. Review status: criteria provided, single submitter. Criteria: ACMG Guidelines, 2015. Collection method: clinical testing. Allele origin: germline.
Comment: This variant is classified as likely benign based on ACMG/AMP sequence variant interpretation guidelines (Richards et al. 2015 PMID: 25741868, with internal and published modifications).

Labcorp Genetics (formerly Invitae), Labcorp
Classification: Likely benign. Last evaluated: 2025-04-28. Review status: criteria provided, single submitter. Criteria: Invitae Variant Classification Sherloc (09022015). Collection method: clinical testing. Allele origin: germline.

Ambry Genetics
Classification: Likely benign for Inborn genetic diseases. Last evaluated: 2022-06-30. Review status: criteria provided, single submitter. Criteria: Ambry Variant Classification Scheme 2023. Collection method: clinical testing. Allele origin: germline.

NM_019066.5(MAGEL2):c.979G>A (p.Ala327Thr)

Gene: MAGEL2 (MAGE family member L2; minus strand). Cytogenetic location: 15q11.2.
Variant type: single nucleotide variant.
Coding change: c.979G>A on transcript NM_019066.5 (MANE Select); coding-DNA position 979, G replaced by A.
Protein change: p.Ala327Thr; replaces alanine 327 with threonine.
Molecular consequence: missense variant.
Genome position (GRCh38, 1-based): chr15:23,646,764, C>T on the plus strand (G>A on the coding strand, the complement: MAGEL2 is on the minus strand). VCF-style: chr15-23646764-C-T. GRCh37 (hg19) VCF-style: chr15-23891911-C-T.
Other names: short protein forms A327T.
Identifiers: ClinVar variation 2076006 (VCV002076006.7), dbSNP rs1185550236, ClinGen allele CA391335434.